The following is an entry in ClinVar:

ClinVar aggregate classification (germline): Uncertain significance. Review status: criteria provided, multiple submitters, no conflicts (2 of 4 stars). 3 submissions from 3 submitters: Uncertain significance (2). 1 of the submissions does not count toward it. Last evaluated 2026-05-14.

Conditions:
Duchenne muscular dystrophy (DMD). Also called: Duchenne Muscular Dystrophy (DMD); MUSCULAR DYSTROPHY, PSEUDOHYPERTROPHIC PROGRESSIVE, DUCHENNE TYPE. Identifiers: Orphanet 98896, MedGen C0013264, MONDO:0010679, OMIM 310200.
Dystrophin deficiency.
Becker muscular dystrophy (BMD). Also called: MUSCULAR DYSTROPHY, PSEUDOHYPERTROPHIC PROGRESSIVE, BECKER TYPE; Becker Muscular Dystrophy (BMD). Identifiers: Orphanet 98895, MedGen C0917713, MONDO:0010311, OMIM 300376.
Cardiomyopathy (CMYO). Also called: Cardiomyopathies. Identifiers: Orphanet 167848, MedGen C0878544, MONDO:0004994, HP:0001638. Inheritance: Various modes of inheritance.
Cardiovascular phenotype. Identifiers: MedGen CN230736.

gnomAD v4.1: 4 of 1,210,732 alleles (0.00033%); highest among the groups gnomAD compares: Non-Finnish European, 0.00045%; no homozygotes.

Submissions (3):

Ambry Genetics
Classification: Uncertain significance for Cardiovascular phenotype. Last evaluated: 2026-05-14. Review status: criteria provided, single submitter. Criteria: Ambry Variant Classification Scheme 2023. Collection method: clinical testing. Allele origin: germline.
Comment: The p.R2071T variant (also known as c.6212G>C), located in coding exon 43 of the DMD gene, results from a G to C substitution at nucleotide position 6212. The arginine at codon 2071 is replaced by threonine, an amino acid with similar properties. This amino acid position is conserved. In addition, this alteration is predicted to be tolerated by in silico analysis. Based on the available evidence, the clinical significance of this variant remains unclear.

Labcorp Genetics (formerly Invitae), Labcorp
Classification: Uncertain significance for Duchenne muscular dystrophy. Last evaluated: 2021-08-31. Review status: criteria provided, single submitter. Criteria: Invitae Variant Classification Sherloc (09022015). Collection method: clinical testing. Allele origin: germline.
Comment: This sequence change replaces arginine with threonine at codon 2071 of the DMD protein (p.Arg2071Thr). The arginine residue is moderately conserved and there is a moderate physicochemical difference between arginine and threonine. This variant is not present in population databases (ExAC no frequency). This variant has not been reported in the literature in individuals affected with DMD-related conditions. Algorithms developed to predict the effect of missense changes on protein structure and function (SIFT, PolyPhen-2, Align-GVGD) all suggest that this variant is likely to be tolerated. In summary, the available evidence is currently insufficient to determine the role of this variant in disease. Therefore, it has been classified as a Variant of Uncertain Significance.

Natera, Inc.
Classification: Uncertain significance for Becker muscular dystrophy; Cardiomyopathy; Duchenne muscular dystrophy; Dystrophin deficiency. Last evaluated: 2019-04-09. Review status: no assertion criteria provided. Collection method: clinical testing. Allele origin: germline. Not counted in ClinVar's aggregate classification.

NM_004006.3(DMD):c.6212G>C (p.Arg2071Thr)

Gene: DMD (dystrophin; minus strand). Cytogenetic location: Xp21.1.
Variant type: single nucleotide variant.
Coding change: c.6212G>C on transcript NM_004006.3 (MANE Select); coding-DNA position 6212, G replaced by C.
Protein change: p.Arg2071Thr; replaces arginine 2071 with threonine.
Molecular consequence: missense variant.
Genome position (GRCh38, 1-based): chrX:32,287,607, C>G on the plus strand (G>C on the coding strand, the complement: DMD is on the minus strand). VCF-style: chrX-32287607-C-G. GRCh37 (hg19) VCF-style: chrX-32305724-C-G.
Other names: c.6188G>C, p.Arg2063Thr (NM_000109.4); c.6200G>C, p.Arg2067Thr (NM_004009.3); c.5843G>C, p.Arg1948Thr (NM_004010.3); c.2189G>C, p.Arg730Thr (NM_004011.4); c.2180G>C, p.Arg727Thr (NM_004012.4); short protein forms R1948T, R2071T, R2067T, R727T, R730T, R2063T.
Identifiers: ClinVar variation 863816 (VCV000863816.6), dbSNP rs774825173, ClinGen allele CA328529826.